The following is an entry in ClinVar:

ClinVar aggregate classification (germline): Uncertain significance. Review status: criteria provided, multiple submitters, no conflicts (2 of 4 stars). 2 submissions from 2 submitters: Uncertain significance (2). Last evaluated 2016-06-02.

Allele frequency attached by ClinVar (database versions not stated): gnomAD 0.00068 and 0.00066; TOPMed 0.00068; ESP Exome Variant Server 0.00069; gnomAD exomes 0.00073 and 0.00064; 1000 Genomes Project 0.00020; 1000 Genomes Project 30x 0.00031; ExAC 0.00054.

Submissions (2):

Laboratory for Molecular Medicine, Mass General Brigham Personalized Medicine
Classification: Uncertain significance. Last evaluated: 2016-06-02. Review status: criteria provided, single submitter. Criteria: LMM Criteria. Collection method: clinical testing. Allele origin: germline.
Comment: Variant identified in a genome or exome case(s) and assessed due to predicted null impact of the variant or pathogenic assertions in the literature or databases. Disclaimer: This variant has not undergone full assessment. The following are preliminary notes: Noe 2010 reported this variant in the heterozygous state in 3 related patients with Platelet Gs hypofunction. In vitro assays suggest Gs signaling defect. Variant not in ClinVar.

Breakthrough Genomics
Classification: Uncertain significance. Review status: criteria provided, single submitter. Criteria: ACMG Guidelines, 2015. Collection method: not provided. Allele origin: germline. Inheritance: Unknown mechanism. Affected: yes.

NM_002923.4(RGS2):c.68G>A (p.Gly23Asp)

Genes: RGS2 (regulator of G protein signaling 2; plus strand), LOC129932144 (ATAC-STARR-seq lymphoblastoid active region 2264; plus strand). Cytogenetic location: 1q31.2.
Variant type: single nucleotide variant.
Coding change: c.68G>A on transcript NM_002923.4 (MANE Select); coding-DNA position 68, G replaced by A.
Protein change: p.Gly23Asp; replaces glycine 23 with aspartic acid.
Molecular consequence: missense variant.
Genome position (GRCh38, 1-based): chr1:192,809,139, G>A. VCF-style: chr1-192809139-G-A. GRCh37 (hg19) VCF-style: chr1-192778269-G-A.
Other names: short protein forms G23D.
Identifiers: ClinVar variation 403375 (VCV000403375.5), dbSNP rs148489044, ClinGen allele CA1301837.